The following is an entry in ClinVar:

NM_020320.5(RARS2):c.396-1G>A

Gene: RARS2 (arginyl-tRNA synthetase 2, mitochondrial; minus strand). Cytogenetic location: 6q15.
Variant type: single nucleotide variant.
Coding change: c.396-1G>A on transcript NM_020320.5 (MANE Select); the canonical splice acceptor site of the intron before coding-DNA position 396, G replaced by A.
Molecular consequence: splice acceptor variant. On other transcripts: intron variant (2).
Genome position (GRCh38, 1-based): chr6:87,548,647, C>T on the plus strand (G>A on the coding strand, the complement: RARS2 is on the minus strand). VCF-style: chr6-87548647-C-T. GRCh37 (hg19) VCF-style: chr6-88258365-C-T.
Other names: c.396-1G>A (NM_001350505.2); c.-74-2948G>A (NM_001350509.2, NM_001318785.2); c.-130-1G>A (NM_001350506.2, NM_001350510.2, NM_001350508.2 and 2 more transcripts).
Identifiers: ClinVar variation 2700573 (VCV002700573.3), dbSNP rs2484309526, ClinGen allele CA364934400.

ClinVar aggregate classification (germline): Likely pathogenic (1 of 4 stars; one submission).

Submission:

Labcorp Genetics (formerly Invitae), Labcorp
Classification: Likely pathogenic. Last evaluated: 2024-01-21. Review status: criteria provided, single submitter. Criteria: Invitae Variant Classification Sherloc (09022015). Collection method: clinical testing. Allele origin: germline.
Comment: This sequence change affects an acceptor splice site in intron 5 of the RARS2 gene. It is expected to disrupt RNA splicing. Variants that disrupt the donor or acceptor splice site typically lead to a loss of protein function (PMID: 16199547), and loss-of-function variants in RARS2 are known to be pathogenic (PMID: 17847012, 22569581, 26083569). This variant is not present in population databases (gnomAD no frequency). This variant has not been reported in the literature in individuals affected with RARS2-related conditions. Algorithms developed to predict the effect of sequence changes on RNA splicing suggest that this variant may disrupt the consensus splice site. In summary, the currently available evidence indicates that the variant is pathogenic, but additional data are needed to prove that conclusively. Therefore, this variant has been classified as Likely Pathogenic.

Literature cited by the submitters: PubMed 16199547; PubMed 17847012; PubMed 22569581; PubMed 26083569.